The following is an entry in ClinVar:

ClinVar aggregate classification (germline): Likely pathogenic (1 of 4 stars; one submission).

Conditions:
Hereditary cancer-predisposing syndrome. Also called: Hereditary Cancer Syndrome; Neoplastic Syndromes, Hereditary; Tumor predisposition; Hereditary neoplastic syndrome. Identifiers: Orphanet 140162, MedGen C0027672, MeSH D009386, MONDO:0015356.

Submission:

Ambry Genetics
Classification: Likely pathogenic for Hereditary cancer-predisposing syndrome. Last evaluated: 2026-02-03. Review status: criteria provided, single submitter. Criteria: Ambry Variant Classification Scheme 2023. Collection method: clinical testing. Allele origin: germline.
Comment: The p.G439W variant (also known as c.1315G>T), located in coding exon 10 of the SDHA gene, results from a G to T substitution at nucleotide position 1315. The glycine at codon 439 is replaced by tryptophan, an amino acid with highly dissimilar properties. Other variant(s) at the same codon, p.G439E (c.1316G>A), p.G439R (c.1315G>C), have been identified in individual(s) with features consistent with SDHA-related hereditary pheochromocytoma-paraganglioma (Bausch B et al. JAMA Oncol, 2017 Sep;3:1204-1212; Ambry internal data). This amino acid position is conserved. In addition, this alteration is predicted to be deleterious by in silico analysis. This variant is considered to be rare based on population cohorts in the Genome Aggregation Database (gnomAD). Based on the majority of available evidence to date, this variant is likely to be pathogenic.

NM_004168.4(SDHA):c.1315G>T (p.Gly439Trp)

Gene: SDHA (succinate dehydrogenase complex flavoprotein subunit A; plus strand). Cytogenetic location: 5p15.33.
Variant type: single nucleotide variant.
Coding change: c.1315G>T on transcript NM_004168.4 (MANE Select); coding-DNA position 1315, G replaced by T.
Protein change: p.Gly439Trp; replaces glycine 439 with tryptophan.
Molecular consequence: missense variant.
Genome position (GRCh38, 1-based): chr5:236,482, G>T. VCF-style: chr5-236482-G-T. GRCh37 (hg19) VCF-style: chr5-236597-G-T.
Other names: c.1171G>T, p.Gly391Trp (NM_001294332.2); c.1315G>T, p.Gly439Trp (NM_001330758.2); short protein forms G391W, G439W.
Identifiers: ClinVar variation 3793561 (VCV003793561.2).